The following is an entry in ClinVar:

ClinVar aggregate classification (germline): Uncertain significance (1 of 4 stars; one submission).

Conditions:
Nemaline myopathy 8 (NEM8). Also called: Nemaline myopathy 8, autosomal recessive. Identifiers: Orphanet 171430, MedGen C3809209, MONDO:0014138, OMIM 615348.

Allele frequency attached by ClinVar (database versions not stated): gnomAD exomes below 0.00001.
gnomAD v4.1: 5 of 1,614,010 alleles (0.00031%); highest among the groups gnomAD compares: Non-Finnish European, 0.00042%; no homozygotes.

Submission:

Labcorp Genetics (formerly Invitae), Labcorp
Classification: Uncertain significance for Nemaline myopathy 8. Last evaluated: 2020-12-04. Review status: criteria provided, single submitter. Criteria: Invitae Variant Classification Sherloc (09022015). Collection method: clinical testing. Allele origin: germline.
Comment: Algorithms developed to predict the effect of missense changes on protein structure and function are either unavailable or do not agree on the potential impact of this missense change (SIFT: "Deleterious"; PolyPhen-2: "Benign"; Align-GVGD: "Class C0"). In summary, the available evidence is currently insufficient to determine the role of this variant in disease. Therefore, it has been classified as a Variant of Uncertain Significance. This variant has not been reported in the literature in individuals with KLHL40-related conditions. This variant is not present in population databases (ExAC no frequency). This sequence change replaces aspartic acid with valine at codon 484 of the KLHL40 protein (p.Asp484Val). The aspartic acid residue is weakly conserved and there is a large physicochemical difference between aspartic acid and valine.

NM_152393.4(KLHL40):c.1451A>T (p.Asp484Val)

Gene: KLHL40 (kelch like family member 40; plus strand). Cytogenetic location: 3p22.1.
Variant type: single nucleotide variant.
Coding change: c.1451A>T on transcript NM_152393.4 (MANE Select); coding-DNA position 1451, A replaced by T.
Protein change: p.Asp484Val; replaces aspartic acid 484 with valine.
Molecular consequence: missense variant.
Genome position (GRCh38, 1-based): chr3:42,688,898, A>T. VCF-style: chr3-42688898-A-T. GRCh37 (hg19) VCF-style: chr3-42730390-A-T.
Other names: short protein forms D484V.
Identifiers: ClinVar variation 1352832 (VCV001352832.8), dbSNP rs2125845564, ClinGen allele CA352294171.